The following is an entry in ClinVar:

NM_001312909.2(FAM111A):c.64G>A (p.Glu22Lys)

Gene: FAM111A (FAM111 trypsin like peptidase A; plus strand). Cytogenetic location: 11q12.1.
Variant type: single nucleotide variant.
Coding change: c.64G>A on transcript NM_001312909.2 (MANE Select); coding-DNA position 64, G replaced by A.
Protein change: p.Glu22Lys; replaces glutamic acid 22 with lysine.
Molecular consequence: missense variant.
Genome position (GRCh38, 1-based): chr11:59,148,936, G>A. VCF-style: chr11-59148936-G-A. GRCh37 (hg19) VCF-style: chr11-58916409-G-A.
Other names: c.64G>A, p.Glu22Lys (NM_001142519.3, NM_001142520.3, NM_001142521.3 and 29 more transcripts); short protein forms E22K.
Identifiers: ClinVar variation 2713751 (VCV002713751.3), dbSNP rs762977097, ClinGen allele CA6016479.

ClinVar aggregate classification (germline): Uncertain significance (1 of 4 stars; one submission).

Allele frequency attached by ClinVar (database versions not stated): ExAC 0.00001; gnomAD 0.00001; gnomAD exomes 0.00001; TOPMed 0.00003.
gnomAD v4.1: 20 of 1,612,570 alleles (0.0012%); highest among the groups gnomAD compares: Admixed American, 0.0067%; no homozygotes.

Submission:

Labcorp Genetics (formerly Invitae), Labcorp
Classification: Uncertain significance. Last evaluated: 2025-02-02. Review status: criteria provided, single submitter. Criteria: Invitae Variant Classification Sherloc (09022015). Collection method: clinical testing. Allele origin: germline.
Comment: This sequence change replaces glutamic acid, which is acidic and polar, with lysine, which is basic and polar, at codon 22 of the FAM111A protein (p.Glu22Lys). This variant is present in population databases (rs762977097, gnomAD 0.01%). This variant has not been reported in the literature in individuals affected with FAM111A-related conditions. ClinVar contains an entry for this variant (Variation ID: 2713751). An algorithm developed to predict the effect of missense changes on protein structure and function (PolyPhen-2) suggests that this variant is likely to be tolerated. In summary, the available evidence is currently insufficient to determine the role of this variant in disease. Therefore, it has been classified as a Variant of Uncertain Significance.